The following is an entry in ClinVar:

NM_002184.4(IL6ST):c.346T>C (p.Tyr116His)

Gene: IL6ST (interleukin 6 cytokine family signal transducer; minus strand). Cytogenetic location: 5q11.2.
Variant type: single nucleotide variant.
Coding change: c.346T>C on transcript NM_002184.4 (MANE Select); coding-DNA position 346, T replaced by C.
Protein change: p.Tyr116His; replaces tyrosine 116 with histidine.
Molecular consequence: missense variant. On other transcripts: 5 prime UTR variant (3), non-coding transcript variant (2), intron variant (1).
Genome position (GRCh38, 1-based): chr5:55,969,574, A>G on the plus strand (T>C on the coding strand, the complement: IL6ST is on the minus strand). VCF-style: chr5-55969574-A-G. GRCh37 (hg19) VCF-style: chr5-55265402-A-G.
Other names: c.346T>C, p.Tyr116His (NM_001190981.2, NM_001364275.2, NM_175767.3); c.-447T>C (NM_001364277.2, NM_001364279.2); c.-437T>C (NM_001364278.2); c.160+186T>C (NM_001364276.2); short protein forms Y116H.
Identifiers: ClinVar variation 1419995 (VCV001419995.9), dbSNP rs2111812646, ClinGen allele CA359769907.

ClinVar aggregate classification (germline): Uncertain significance. Review status: criteria provided, multiple submitters, no conflicts (2 of 4 stars). 2 submissions from 2 submitters: Uncertain significance (2). Last evaluated 2021-05-27.

Submissions (2):

Labcorp Genetics (formerly Invitae), Labcorp
Classification: Uncertain significance. Last evaluated: 2021-05-27. Review status: criteria provided, single submitter. Criteria: Invitae Variant Classification Sherloc (09022015). Collection method: clinical testing. Allele origin: germline.
Comment: This sequence change replaces tyrosine with histidine at codon 116 of the IL6ST protein (p.Tyr116His). The tyrosine residue is highly conserved and there is a moderate physicochemical difference between tyrosine and histidine. This variant is not present in population databases (ExAC no frequency). This variant has not been reported in the literature in individuals with IL6ST-related conditions. Algorithms developed to predict the effect of missense changes on protein structure and function are either unavailable or do not agree on the potential impact of this missense change (SIFT: "Tolerated"; PolyPhen-2: "Possibly Damaging"; Align-GVGD: "Class C0"). In summary, the available evidence is currently insufficient to determine the role of this variant in disease. Therefore, it has been classified as a Variant of Uncertain Significance.

Breakthrough Genomics
Classification: Uncertain significance. Review status: criteria provided, single submitter. Criteria: ACMG Guidelines, 2015. Collection method: not provided. Allele origin: germline. Inheritance: Autosomal recessive inheritance. Affected: yes.